The following is an entry in ClinVar:

NM_000321.3(RB1):c.2273C>A (p.Ser758Ter)

Gene: RB1 (RB transcriptional corepressor 1; plus strand). Cytogenetic location: 13q14.2.
Variant type: single nucleotide variant.
Coding change: c.2273C>A on transcript NM_000321.3 (MANE Select); coding-DNA position 2273, C replaced by A.
Protein change: p.Ser758Ter; replaces serine 758 with a stop codon.
Molecular consequence: nonsense.
Genome position (GRCh38, 1-based): chr13:48,465,059, C>A. VCF-style: chr13-48465059-C-A. GRCh37 (hg19) VCF-style: chr13-49039195-C-A.
Other names: c.2273C>A, p.Ser758Ter (NM_001407165.1); short protein forms S758*.
Identifiers: ClinVar variation 3237083 (VCV003237083.2), dbSNP rs754814477.

ClinVar aggregate classification (germline): Pathogenic. Review status: criteria provided, multiple submitters, no conflicts (2 of 4 stars). 2 submissions from 2 submitters: Pathogenic (2). Last evaluated 2026-03-23.

Conditions:
Retinoblastoma (RB1). Also called: RETINOBLASTOMA, SOMATIC. Identifiers: Orphanet 790, MedGen C0035335, MeSH D012175, MONDO:0008380, OMIM 180200, HP:0009919. Disease mechanism: loss of function. Inheritance: Both sporadic and heritable forms are tested..

Submissions (2):

GeneDx
Classification: Pathogenic. Last evaluated: 2026-03-23. Review status: criteria provided, single submitter. Criteria: GeneDx Variant Classification Process June 2021. Collection method: clinical testing. Allele origin: germline.
Comment: Nonsense variant predicted to result in protein truncation or nonsense mediated decay in a gene for which loss of function is a known mechanism of disease; Not observed at significant frequency in large population cohorts (gnomAD); This variant is associated with the following publications: (PMID: 30031154, 28193182)

Genetic Diagnostic Laboratory, University of Pennsylvania School of Medicine
Classification: Pathogenic for Retinoblastoma. Last evaluated: 2024-05-20. Review status: criteria provided, single submitter. Criteria: ACMG Guidelines, 2015. Collection method: clinical testing. Allele origin: germline. Affected: yes. Observed: 2 variant alleles.
Comment: Case and Pedigree Information: BILATERAL CASES:2, UNILATERAL CASES:0, TOTAL CASES:2, PEDIGREES:2. ACMG Codes Applied:PVS1, PM2